The following is an entry in ClinVar:

NM_153603.4(COG7):c.1409+7C>T

Gene: COG7 (component of oligomeric golgi complex 7; minus strand). Cytogenetic location: 16p12.2.
Variant type: single nucleotide variant.
Coding change: c.1409+7C>T on transcript NM_153603.4 (MANE Select); 7 bases into the intron after coding-DNA position 1409, C replaced by T.
Molecular consequence: intron variant.
Genome position (GRCh38, 1-based): chr16:23,413,441, G>A on the plus strand (C>T on the coding strand, the complement: COG7 is on the minus strand). VCF-style: chr16-23413441-G-A. GRCh37 (hg19) VCF-style: chr16-23424762-G-A.
Identifiers: ClinVar variation 680336 (VCV000680336.13), dbSNP rs373366651, ClinGen allele CA7960997.

ClinVar aggregate classification (germline): Likely benign. Review status: criteria provided, multiple submitters, no conflicts (2 of 4 stars). 4 submissions from 4 submitters: Likely benign (4). Last evaluated 2026-08-04.

Conditions:
COG7 congenital disorder of glycosylation (CDG2E). Also called: CDG IIe; CONGENITAL DISORDER OF GLYCOSYLATION, TYPE IIe. Identifiers: Orphanet 79333, MedGen C2931010, MONDO:0012118, OMIM 608779.
COG7-related disorder. Also called: COG7-related condition.

Allele frequency attached by ClinVar (database versions not stated): 1000 Genomes Project 30x 0.00016; 1000 Genomes Project 0.00020; ESP Exome Variant Server 0.00062; TOPMed 0.00076.
gnomAD v4.1: 344 of 1,371,326 alleles (0.025%); highest among the groups gnomAD compares: African/African-American, 0.18%; 2 homozygotes.

Submissions (4):

PreventionGenetics, part of Exact Sciences
Classification: Likely benign for COG7-related condition. Last evaluated: 2026-08-04. Review status: criteria provided, single submitter. Criteria: ACMG Guidelines, 2015. Collection method: clinical testing. Allele origin: germline.
Comment: This variant is classified as likely benign based on ACMG/AMP sequence variant interpretation guidelines (Richards et al. 2015 PMID: 25741868, with internal and published modifications).

Labcorp Genetics (formerly Invitae), Labcorp
Classification: Likely benign for COG7 congenital disorder of glycosylation. Last evaluated: 2026-01-21. Review status: criteria provided, single submitter. Criteria: Invitae Variant Classification Sherloc (09022015). Collection method: clinical testing. Allele origin: germline.

GeneDx
Classification: Likely benign. Last evaluated: 2018-03-20. Review status: criteria provided, single submitter. Criteria: GeneDx Variant Classification (06012015). Collection method: clinical testing. Allele origin: germline. Affected: yes.
Comment: This variant is considered likely benign or benign based on one or more of the following criteria: it is a conservative change, it occurs at a poorly conserved position in the protein, it is predicted to be benign by multiple in silico algorithms, and/or has population frequency not consistent with disease.

Breakthrough Genomics
Classification: Likely benign. Review status: criteria provided, single submitter. Criteria: ACMG Guidelines, 2015. Collection method: not provided. Allele origin: germline. Inheritance: Autosomal recessive inheritance. Affected: yes.